The following is an entry in ClinVar:

NM_005144.5(HR):c.1792C>T (p.Arg598Cys)

Gene: HR (HR lysine demethylase and nuclear receptor corepressor; minus strand). Cytogenetic location: 8p21.3.
Variant type: single nucleotide variant.
Coding change: c.1792C>T on transcript NM_005144.5 (MANE Select); coding-DNA position 1792, C replaced by T.
Protein change: p.Arg598Cys; replaces arginine 598 with cysteine.
Molecular consequence: missense variant.
Genome position (GRCh38, 1-based): chr8:22,123,772, G>A on the plus strand (C>T on the coding strand, the complement: HR is on the minus strand). VCF-style: chr8-22123772-G-A. GRCh37 (hg19) VCF-style: chr8-21981285-G-A.
Other names: c.1792C>T, p.Arg598Cys (NM_018411.4); short protein forms R598C.
Identifiers: ClinVar variation 1945906 (VCV001945906.5), dbSNP rs200769181, ClinGen allele CA4662345.
Genomic context (GRCh38, chr8:22,123,772, plus strand): 5'-TGCAGCGGGGACATCGCCAGTGGGTGTTGAAGAGTCCATGGTGGCAACGGCTGCAGCAGC[G>A]TGGAATGCCTGGGCTGTCCTCTGTCACGGCTGGCCCTTGGCCTGCTGACCACGGAGAGAA-3'
Protein context (NP_005135.2, residues 588-608): AVTEDSPGIP[Arg598Cys]CCSRCHHGLF

ClinVar aggregate classification (germline): Uncertain significance (1 of 4 stars; one submission).

Allele frequency attached by ClinVar (database versions not stated): TOPMed 0.00005; gnomAD 0.00009; ExAC 0.00010; ESP Exome Variant Server 0.00015; 1000 Genomes Project 30x 0.00031.
gnomAD v4.1: 42 of 1,603,296 alleles (0.0026%); highest among the groups gnomAD compares: African/African-American, 0.025%; 1 homozygote.

Submission:

Labcorp Genetics (formerly Invitae), Labcorp
Classification: Uncertain significance. Last evaluated: 2022-06-08. Review status: criteria provided, single submitter. Criteria: Invitae Variant Classification Sherloc (09022015). Collection method: clinical testing. Allele origin: germline.
Comment: In summary, the available evidence is currently insufficient to determine the role of this variant in disease. Therefore, it has been classified as a Variant of Uncertain Significance. Algorithms developed to predict the effect of missense changes on protein structure and function output the following: SIFT: "Deleterious"; PolyPhen-2: "Possibly Damaging"; Align-GVGD: "Class C25". The cysteine amino acid residue is found in multiple mammalian species, which suggests that this missense change does not adversely affect protein function. This variant has not been reported in the literature in individuals affected with HR-related conditions. The frequency data for this variant in the population databases is considered unreliable, as metrics indicate poor data quality at this position in the gnomAD database. This sequence change replaces arginine, which is basic and polar, with cysteine, which is neutral and slightly polar, at codon 598 of the HR protein (p.Arg598Cys).